The following is an entry in ClinVar:

ClinVar aggregate classification (germline): Pathogenic (1 of 4 stars; one submission).

Submission:

Labcorp Genetics (formerly Invitae), Labcorp
Classification: Pathogenic. Last evaluated: 2021-01-27. Review status: criteria provided, single submitter. Criteria: Invitae Variant Classification Sherloc (09022015). Collection method: clinical testing. Allele origin: germline.
Comment: For these reasons, this variant has been classified as Pathogenic. This variant has not been reported in the literature in individuals with PRCD-related conditions. This variant is not present in population databases (ExAC no frequency). This sequence change creates a premature translational stop signal (p.Arg35Alafs*16) in the PRCD gene. It is expected to result in an absent or disrupted protein product. Loss-of-function variants in PRCD are known to be pathogenic (PMID: 16938425, 20507925, 23805042, 28181551).

Literature cited by the submitters: PubMed 16938425; PubMed 20507925; PubMed 23805042; PubMed 28181551.

NM_001077620.3(PRCD):c.102_111del (p.Arg35fs)

Genes: CYGB (cytoglobin; minus strand), PRCD (photoreceptor disc component; plus strand). Cytogenetic location: 17q25.1.
Variant type: Deletion.
Coding change: c.102_111del on transcript NM_001077620.3 (MANE Select); coding-DNA positions 102 to 111, 10 bases deleted (TAGGGGCAGC; older notation c.102_111delTAGGGGCAGC).
Protein change: p.Arg35fs; shifts the reading frame from arginine 35.
Molecular consequence: frameshift variant. On other transcripts: non-coding transcript variant (1).
Genome position (GRCh38, 1-based): chr17:76,540,532-76,540,541, TAGGGGCAGC deleted; deleting any 10 consecutive bases within chr17:76,540,524-76,540,541 gives the same sequence; the c. name uses the placement nearest the transcript's 3' end. VCF-style (leftmost placement, unchanged base first): chr17-76540523-TGGGGCAGCTA-T. GRCh37 (hg19) VCF-style: chr17-74536605-TGGGGCAGCTA-T.
Other names: short protein forms R35fs.
Identifiers: ClinVar variation 1427185 (VCV001427185.6), dbSNP rs1009828411, ClinGen allele CA294200728.